The following is an entry in ClinVar:

NM_001145308.5(LRTOMT):c.204C>T (p.Ser68=)

Genes: LRTOMT (leucine rich transmembrane and O-methyltransferase domain containing; plus strand), TOMT (transmembrane O-methyltransferase; plus strand). Cytogenetic location: 11q13.4.
Variant type: single nucleotide variant.
Coding change: c.204C>T on transcript NM_001145308.5; coding-DNA position 204, C replaced by T.
Protein change: p.Ser68=; no amino-acid change (serine 68 retained).
Molecular consequence: synonymous variant.
Genome position (GRCh38, 1-based): chr11:72,106,056, C>T. VCF-style: chr11-72106056-C-T. GRCh37 (hg19) VCF-style: chr11-71817102-C-T.
Other names: c.105C>T, p.Ser35= (NM_001393500.2); c.204C>T, p.Ser68= (NM_001145309.4); c.84C>T, p.Ser28= (NM_001145310.4).
Identifiers: ClinVar variation 505397 (VCV000505397.4), dbSNP rs890009722, ClinGen allele CA224374501.

ClinVar aggregate classification (germline): Likely benign (1 of 4 stars; one submission).

Allele frequency attached by ClinVar (database versions not stated): TOPMed below 0.00001; gnomAD 0.00001.
gnomAD v4.1: 2 of 1,550,764 alleles (0.00013%); highest among the groups gnomAD compares: African/African-American, 0.0014%; no homozygotes.

Submission:

Laboratory for Molecular Medicine, Mass General Brigham Personalized Medicine
Classification: Likely benign. Last evaluated: 2016-11-13. Review status: criteria provided, single submitter. Criteria: LMM Criteria. Collection method: clinical testing. Allele origin: germline. Observed: 1 variant allele.
Comment: p.Ser68Ser in exon 5 of LRTOMT (NM_01145308.1): This variant is not expected to have clinical significance because it does not alter an amino acid residue and i s not predicted to impact splicing. Of note, this variant lies in the coding reg ion of long isoform of the gene, but is downstream of the short isoform.